The following is an entry in ClinVar:

NM_000352.6(ABCC8):c.2117-1G>A

Gene: ABCC8 (ATP binding cassette subfamily C member 8; minus strand). Cytogenetic location: 11p15.1.
Variant type: single nucleotide variant.
Coding change: c.2117-1G>A on transcript NM_000352.6 (MANE Select); the canonical splice acceptor site of the intron before coding-DNA position 2117, G replaced by A.
Molecular consequence: splice acceptor variant.
Genome position (GRCh38, 1-based): chr11:17,427,155, C>T on the plus strand (G>A on the coding strand, the complement: ABCC8 is on the minus strand). VCF-style: chr11-17427155-C-T. GRCh37 (hg19) VCF-style: chr11-17448702-C-T.
Other names: c.2114-1G>A (NM_001351297.2, NM_001351296.2); c.2183-1G>A (NM_001351295.2); c.2117-1G>A (NM_001287174.3).
Identifiers: ClinVar variation 210072 (VCV000210072.12), dbSNP rs797045207, ClinGen allele CA277400.

ClinVar aggregate classification (germline): Pathogenic. Review status: criteria provided, multiple submitters, no conflicts (2 of 4 stars). 4 submissions from 4 submitters: Pathogenic (4). Last evaluated 2024-06-02.

Conditions:
ABCC8-related disorder.
Hyperinsulinemic hypoglycemia, familial, 1 (HHF1). Also called: Persistent hyperinsulinemic hypoglycemia of infancy; Persistent Hyperinsulinemia Hypoglycemia of Infancy; HYPERINSULINISM, FAMILIAL, WITH PANCREATIC NESIDIOBLASTOSIS; HYPOGLYCEMIA, HYPERINSULINEMIC, OF INFANCY; NESIDIOBLASTOSIS OF PANCREAS. Identifiers: Orphanet 276575, Orphanet 276598, MedGen C2931832, MONDO:0009734, OMIM 256450.
Type 2 diabetes mellitus. Also called: Type II diabetes mellitus. Identifiers: MedGen C0011860, MeSH D003924, MONDO:0005148, OMIM 125853, HP:0005978.

Allele frequency attached by ClinVar (database versions not stated): gnomAD exomes below 0.00001.
gnomAD v4.1: 3 of 1,612,294 alleles (0.00019%); highest among the groups gnomAD compares: Non-Finnish European, 0.00025%; no homozygotes.

Submissions (4):

Labcorp Genetics (formerly Invitae), Labcorp
Classification: Pathogenic. Last evaluated: 2024-06-02. Review status: criteria provided, single submitter. Criteria: Invitae Variant Classification Sherloc (09022015). Collection method: clinical testing. Allele origin: germline.
Comment: This sequence change affects an acceptor splice site in intron 15 of the ABCC8 gene. It is expected to disrupt RNA splicing. Variants that disrupt the donor or acceptor splice site typically lead to a loss of protein function (PMID: 16199547), and loss-of-function variants in ABCC8 are known to be pathogenic (PMID: 20685672, 23345197). This variant is not present in population databases (gnomAD no frequency). Disruption of this splice site has been observed in individuals with autosomal recessive diffuse or paternally inherited focal hyperinsulinism (PMID: 9618169, 24401662). ClinVar contains an entry for this variant (Variation ID: 210072). Algorithms developed to predict the effect of sequence changes on RNA splicing suggest that this variant may disrupt the consensus splice site. For these reasons, this variant has been classified as Pathogenic.

Baylor Genetics
Classification: Pathogenic for Type 2 diabetes mellitus. Last evaluated: 2024-03-28. Review status: criteria provided, single submitter. Criteria: ACMG Guidelines, 2015. Collection method: clinical testing. Allele origin: unknown.

Blueprint Genetics
Classification: Pathogenic for ABCC8-related disorders. Last evaluated: 2021-04-08. Review status: criteria provided, single submitter. Criteria: ACMG Guidelines, 2015. Collection method: clinical testing. Allele origin: germline. Affected: yes. Observed: 1 variant allele.

Genetic Services Laboratory, University of Chicago
Classification: Pathogenic for Hyperinsulinemic hypoglycemia, familial, 1. Last evaluated: 2015-07-29. Review status: criteria provided, single submitter. Criteria: ACMG Guidelines, 2015. Collection method: clinical testing. Allele origin: germline. Affected: yes.

Literature cited by the submitters: PubMed 16199547 (cited by Labcorp Genetics (formerly Invitae), Labcorp); PubMed 20685672 (cited by Labcorp Genetics (formerly Invitae), Labcorp); PubMed 23345197 (cited by Labcorp Genetics (formerly Invitae), Labcorp); PubMed 9618169 (cited by Labcorp Genetics (formerly Invitae), Labcorp); PubMed 24401662 (cited by Labcorp Genetics (formerly Invitae), Labcorp).